The following is an entry in ClinVar:

NM_001009944.3(PKD1):c.10619-14C>T

Genes: PKD1 (polycystin 1, transient receptor potential channel interacting; minus strand), PKD1-AS1 (PKD1 antisense RNA 1; plus strand). Cytogenetic location: 16p13.3.
Variant type: single nucleotide variant.
Coding change: c.10619-14C>T on transcript NM_001009944.3 (MANE Select); 14 bases into the intron before coding-DNA position 10619, C replaced by T.
Molecular consequence: intron variant.
Genome position (GRCh38, 1-based): chr16:2,094,027, G>A on the plus strand (C>T on the coding strand, the complement: PKD1 is on the minus strand). VCF-style: chr16-2094027-G-A. GRCh37 (hg19) VCF-style: chr16-2144028-G-A.
Other names: c.10616-14C>T (NM_000296.4).
Identifiers: ClinVar variation 3896602 (VCV003896602.2).
Genomic context (GRCh38, chr16:2,094,027, plus strand): 5'-GGCACACCAGGCCGGCAGCAGGCGCTTCCGCAGACCCTCCACCAGTCCTGGGGAAGCAGA[G>A]ACAGACCTGTGAGAGGCAGCTCACAGGGAGGGGCTAGGGGCATCCCGGGGCTACGCAAGC-3'

ClinVar aggregate classification (germline): Likely benign (1 of 4 stars; one submission).

gnomAD v4.1: 67 of 1,591,298 alleles (0.0042%); highest among the groups gnomAD compares: Non-Finnish European, 0.0006%; no homozygotes.

Submission:

Women's Health and Genetics/Laboratory Corporation of America, LabCorp
Classification: Likely benign. Last evaluated: 2025-04-28. Review status: criteria provided, single submitter. Criteria: LabCorp Variant Classification Summary - May 2015. Collection method: clinical testing. Allele origin: germline.
Comment: Variant summary: PKD1 c.10619-14C>T alters a nucleotide located at a position not widely known to affect splicing. Consensus agreement among computation tools predict no significant impact on normal splicing. However, these predictions have yet to be confirmed by functional studies. The variant allele was found at a frequency of 0.00011 in 206870 control chromosomes (gnomAD). This frequency is not significantly higher than estimated for a pathogenic variant in PKD1 causing PKD1-Biallelic Autosomal Recessive Polycystic Kidney Disease, allowing no conclusion about variant significance. To our knowledge, no occurrence of c.10619-14C>T in individuals affected with PKD1-Biallelic Autosomal Recessive Polycystic Kidney Disease and no experimental evidence demonstrating its impact on protein function have been reported. No submitters have cited clinical-significance assessments for this variant to ClinVar. Based on the evidence outlined above, the variant was classified as likely benign.